The following is an entry in ClinVar:

ClinVar aggregate classification (germline): Conflicting classifications of pathogenicity. Review status: criteria provided, conflicting classifications (1 of 4 stars). 2 submissions from 2 submitters: Uncertain significance (1); Likely benign (1). Last evaluated 2025-04-22.

Conditions:
Acute myeloid leukemia (AML). Also called: Acute myeloid leukemia, adult; AML adult; Acute non-lymphocytic leukemia; Acute granulocytic leukemia; Leukemia, acute myeloid, somatic; Leukemia, acute myelogenous, somatic. Identifiers: Orphanet 519, MedGen C0023467, MeSH D015470, MONDO:0018874, OMIM 601626, HP:0004808. Disease mechanism: Constitutively activated FLT3.
Inborn genetic diseases. Identifiers: MedGen C0950123, MeSH D030342.

Submissions (2):

Ambry Genetics
Classification: Likely benign for Inborn genetic diseases. Last evaluated: 2025-04-22. Review status: criteria provided, single submitter. Criteria: Ambry Variant Classification Scheme 2023. Collection method: clinical testing. Allele origin: germline.

Labcorp Genetics (formerly Invitae), Labcorp
Classification: Uncertain significance for Acute myeloid leukemia. Last evaluated: 2023-03-13. Review status: criteria provided, single submitter. Criteria: Invitae Variant Classification Sherloc (09022015). Collection method: clinical testing. Allele origin: germline.
Comment: This variant has not been reported in the literature in individuals affected with CEBPA-related conditions. In summary, the available evidence is currently insufficient to determine the role of this variant in disease. Therefore, it has been classified as a Variant of Uncertain Significance. An algorithm developed to predict the effect of missense changes on protein structure and function (PolyPhen-2) suggests that this variant is likely to be tolerated. This variant is not present in population databases (gnomAD no frequency). This sequence change replaces glycine, which is neutral and non-polar, with arginine, which is basic and polar, at codon 245 of the CEBPA protein (p.Gly245Arg).

NM_004364.5(CEBPA):c.733G>C (p.Gly245Arg)

Gene: CEBPA (CCAAT enhancer binding protein alpha; minus strand). Cytogenetic location: 19q13.11.
Variant type: single nucleotide variant.
Coding change: c.733G>C on transcript NM_004364.5 (MANE Select); coding-DNA position 733, G replaced by C.
Protein change: p.Gly245Arg; replaces glycine 245 with arginine.
Molecular consequence: missense variant.
Genome position (GRCh38, 1-based): chr19:33,301,682, C>G on the plus strand (G>C on the coding strand, the complement: CEBPA is on the minus strand). VCF-style: chr19-33301682-C-G. GRCh37 (hg19) VCF-style: chr19-33792588-C-G.
Other names: c.376G>C, p.Gly126Arg (NM_001285829.2); c.838G>C, p.Gly280Arg (NM_001287424.2); c.691G>C, p.Gly231Arg (NM_001287435.2); short protein forms G126R, G231R, G280R, G245R.
Identifiers: ClinVar variation 2727269 (VCV002727269.4), dbSNP rs1315043080, ClinGen allele CA405274325.